The following is an entry in ClinVar:

NM_020066.5(FMN2):c.2961C>T (p.Pro987=)

Gene: FMN2 (formin 2; plus strand). Cytogenetic location: 1q43.
Variant type: single nucleotide variant.
Coding change: c.2961C>T on transcript NM_020066.5 (MANE Select); coding-DNA position 2961, C replaced by T.
Protein change: p.Pro987=; no amino-acid change (proline 987 retained).
Molecular consequence: synonymous variant. On other transcripts: intron variant (1).
Genome position (GRCh38, 1-based): chr1:240,207,773, C>T. VCF-style: chr1-240207773-C-T. GRCh37 (hg19) VCF-style: chr1-240371073-C-T.
Other names: c.2973C>T, p.Pro991= (NM_001305424.2); c.1986+19511C>T (NM_001348094.2).
Identifiers: ClinVar variation 2640148 (VCV002640148.25), dbSNP rs749850854, ClinGen allele CA1476927.

ClinVar aggregate classification (germline): Likely benign. Review status: criteria provided, multiple submitters, no conflicts (2 of 4 stars). 2 submissions from 2 submitters: Likely benign (2). Last evaluated 2026-10-01.

Allele frequency attached by ClinVar (database versions not stated): gnomAD 0.00048.

Submissions (2):

CeGaT Center for Human Genetics Tuebingen
Classification: Likely benign. Last evaluated: 2026-10-01. Review status: criteria provided, single submitter. Criteria: CeGaT Center For Human Genetics Tuebingen Variant Classification Criteria Version 2. Collection method: clinical testing. Allele origin: germline. Affected: yes. Observed: 14 variant alleles.
Comment: FMN2: BP4, BP7

Blueprint Genetics
Classification: Likely benign. Last evaluated: 2024-11-21. Review status: criteria provided, single submitter. Criteria: ACMG Guidelines, 2015. Collection method: clinical testing. Allele origin: germline.